The following is an entry in ClinVar:

ClinVar aggregate classification (germline): Benign. Review status: criteria provided, multiple submitters, no conflicts (2 of 4 stars). 8 submissions from 8 submitters: Benign (7). 1 of the submissions does not count toward it. Last evaluated 2026-02-01.

Conditions:
Retinitis pigmentosa 54 (RP54). Identifiers: Orphanet 791, MedGen C3150691, MONDO:0013263, OMIM 613428.
Retinitis pigmentosa (RP). Identifiers: Orphanet 791, MedGen C0035334, MeSH D012174, MONDO:0019200, OMIM 268000. Inheritance: Autosomal dominant, autosomal recessive and X linked inheritance.

Allele frequency attached by ClinVar (database versions not stated): gnomAD 0.00140 and 0.00173; TOPMed 0.00152; 1000 Genomes Project 0.00200; ESP Exome Variant Server 0.00210; 1000 Genomes Project 30x 0.00219; ExAC 0.00368; gnomAD exomes 0.00413.

Submissions (8):

CeGaT Center for Human Genetics Tuebingen
Classification: Benign. Last evaluated: 2026-02-01. Review status: criteria provided, single submitter. Criteria: CeGaT Center For Human Genetics Tuebingen Variant Classification Criteria Version 2. Collection method: clinical testing. Allele origin: germline. Affected: yes. Observed: 2 variant alleles.
Comment: PCARE: BP4, BS1, BS2

Labcorp Genetics (formerly Invitae), Labcorp
Classification: Benign. Last evaluated: 2026-01-18. Review status: criteria provided, single submitter. Criteria: Invitae Variant Classification Sherloc (09022015). Collection method: clinical testing. Allele origin: germline.

ARUP Laboratories, Molecular Genetics and Genomics, ARUP Laboratories
Classification: Benign for Retinitis pigmentosa 54. Last evaluated: 2023-10-26. Review status: criteria provided, single submitter. Criteria: ARUP Molecular Germline Variant Investigation Process 2024. Collection method: clinical testing. Allele origin: germline.

Illumina Laboratory Services, Illumina
Classification: Benign for Retinitis pigmentosa. Last evaluated: 2017-04-27. Review status: criteria provided, single submitter. Criteria: ICSL Variant Classification Criteria 13 December 2019. Collection method: clinical testing. Allele origin: germline.
Comment: This variant was observed as part of a predisposition screen in an ostensibly healthy population. A literature search was performed for the gene, cDNA change, and amino acid change (where applicable). Publications were found based on this search. The evidence from the literature, in combination with allele frequency data from public databases where available, was sufficient to rule this variant out of causing disease. Therefore, this variant is classified as benign.

Clinical Genetics DNA and cytogenetics Diagnostics Lab, Erasmus MC, Erasmus Medical Center
Classification: Benign for Retinitis pigmentosa 54. Last evaluated: 2016-08-11. Review status: criteria provided, single submitter. Criteria: ACGS Guidelines, 2013. Collection method: clinical testing. Allele origin: germline. Affected: yes. Study: VKGL Data-share Consensus.

Eurofins Ntd Llc (ga)
Classification: Benign. Last evaluated: 2014-11-07. Review status: criteria provided, single submitter. Criteria: EGL Classification Definitions 2015. Collection method: clinical testing. Allele origin: germline. Observed: 4 variant alleles, 4 heterozygotes.

Breakthrough Genomics
Classification: Benign. Review status: criteria provided, single submitter. Criteria: ACMG Guidelines, 2015. Collection method: not provided. Allele origin: germline. Inheritance: Unknown mechanism. Affected: yes.

Clinical Genetics, Academic Medical Center
Classification: Benign. Review status: no assertion criteria provided. Collection method: clinical testing. Allele origin: germline. Affected: yes. Study: VKGL Data-share Consensus. Not counted in ClinVar's aggregate classification.

Literature cited by the submitters: PubMed 21412943 (cited by Illumina Laboratory Services, Illumina and Eurofins Ntd Llc (ga)); PubMed 20811058 (cited by Illumina Laboratory Services, Illumina and Eurofins Ntd Llc (ga)).

NM_001029883.3(PCARE):c.2875G>A (p.Ala959Thr)

Gene: PCARE (photoreceptor cilium actin regulator; minus strand). Cytogenetic location: 2p23.2.
Variant type: single nucleotide variant.
Coding change: c.2875G>A on transcript NM_001029883.3 (MANE Select); coding-DNA position 2875, G replaced by A.
Protein change: p.Ala959Thr; replaces alanine 959 with threonine.
Molecular consequence: missense variant.
Genome position (GRCh38, 1-based): chr2:29,071,387, C>T on the plus strand (G>A on the coding strand, the complement: PCARE is on the minus strand). VCF-style: chr2-29071387-C-T. GRCh37 (hg19) VCF-style: chr2-29294253-C-T.
Other names: short protein forms A959T.
Identifiers: ClinVar variation 193141 (VCV000193141.30), dbSNP rs192350796, ClinGen allele CA200353.